The following is an entry in ClinVar:

NM_020975.6(RET):c.574C>T (p.Pro192Ser)

Gene: RET (ret proto-oncogene; plus strand). Cytogenetic location: 10q11.21.
Variant type: single nucleotide variant.
Coding change: c.574C>T on transcript NM_020975.6 (MANE Select); coding-DNA position 574, C replaced by T.
Protein change: p.Pro192Ser; replaces proline 192 with serine.
Molecular consequence: missense variant. On other transcripts: intron variant (15).
Genome position (GRCh38, 1-based): chr10:43,102,578, C>T. VCF-style: chr10-43102578-C-T. GRCh37 (hg19) VCF-style: chr10-43598026-C-T.
Other names: c.574C>T, p.Pro192Ser (NM_001406743.1, NM_001406744.1, NM_001406759.1 and 14 more transcripts); c.445C>T, p.Pro149Ser (NM_001406761.1, NM_001406762.1, NM_001406764.1 and 4 more transcripts); c.337+1856C>T (NM_001406770.1, NM_001406766.1, NM_001406767.1 and 8 more transcripts); c.74-6453C>T (NM_001406784.1); c.74-9521C>T (NM_001406794.1, NM_001406792.1, NM_001406793.1); short protein forms P149S, P192S.
Identifiers: ClinVar variation 4808135 (VCV004808135.1).

ClinVar aggregate classification (germline): Uncertain significance (1 of 4 stars; one submission).

Conditions:
Multiple endocrine neoplasia, type 2 (MEN2). Identifiers: Orphanet 653, MedGen C4048306, MONDO:0019003. Disease mechanism: gain of function.

Submission:

Labcorp Genetics (formerly Invitae), Labcorp
Classification: Uncertain significance for Multiple endocrine neoplasia, type 2. Last evaluated: 2025-10-07. Review status: criteria provided, single submitter. Criteria: Invitae Variant Classification Sherloc (09022015). Collection method: clinical testing. Allele origin: germline.
Comment: This sequence change replaces proline, which is neutral and non-polar, with serine, which is neutral and polar, at codon 192 of the RET protein (p.Pro192Ser). This variant is not present in population databases (gnomAD no frequency). This variant has not been reported in the literature in individuals affected with RET-related conditions. An algorithm developed to predict the effect of missense changes on protein structure and function (PolyPhen-2) suggests that this variant is likely to be tolerated. In summary, the available evidence is currently insufficient to determine the role of this variant in disease. Therefore, it has been classified as a Variant of Uncertain Significance.